The following is an entry in ClinVar:

ClinVar aggregate classification (germline): Uncertain significance (1 of 4 stars; one submission).

Conditions:
Congenital myasthenic syndrome 8. Also called: MYASTHENIC SYNDROME, CONGENITAL, DUE TO AGRIN DEFICIENCY; Myasthenic syndrome, congenital, 8, with pre- and postsynaptic defects. Identifiers: Orphanet 590, MedGen C3808739, MONDO:0014052, OMIM 615120.

Allele frequency attached by ClinVar (database versions not stated): gnomAD exomes below 0.00001.
gnomAD v4.1: 8 of 1,612,790 alleles (0.0005%); highest among the groups gnomAD compares: East Asian, 0.0022%; no homozygotes.

Submission:

Labcorp Genetics (formerly Invitae), Labcorp
Classification: Uncertain significance for Congenital myasthenic syndrome 8. Last evaluated: 2020-02-19. Review status: criteria provided, single submitter. Criteria: Invitae Variant Classification Sherloc (09022015). Collection method: clinical testing. Allele origin: germline.
Comment: This sequence change replaces glycine with arginine at codon 1163 of the AGRN protein (p.Gly1163Arg). The glycine residue is highly conserved and there is a moderate physicochemical difference between glycine and arginine. This variant is not present in population databases (ExAC no frequency). This variant has not been reported in the literature in individuals with AGRN-related conditions. Algorithms developed to predict the effect of missense changes on protein structure and function are either unavailable or do not agree on the potential impact of this missense change (SIFT: "Deleterious"; PolyPhen-2: "Probably Damaging"; Align-GVGD: "Class C15"). In summary, the available evidence is currently insufficient to determine the role of this variant in disease. Therefore, it has been classified as a Variant of Uncertain Significance.

NM_198576.4(AGRN):c.3487G>A (p.Gly1163Arg)

Gene: AGRN (agrin; plus strand). Cytogenetic location: 1p36.33.
Variant type: single nucleotide variant.
Coding change: c.3487G>A on transcript NM_198576.4 (MANE Select); coding-DNA position 3487, G replaced by A.
Protein change: p.Gly1163Arg; replaces glycine 1163 with arginine.
Molecular consequence: missense variant.
Genome position (GRCh38, 1-based): chr1:1,047,425, G>A. VCF-style: chr1-1047425-G-A. GRCh37 (hg19) VCF-style: chr1-982805-G-A.
Other names: c.3487G>A, p.Gly1163Arg (NM_001305275.2); c.3172G>A, p.Gly1058Arg (NM_001364727.2); short protein forms G1058R, G1163R.
Identifiers: ClinVar variation 1022996 (VCV001022996.9), dbSNP rs1390460146, ClinGen allele CA337849507.